The following is an entry in ClinVar:

ClinVar aggregate classification (germline): Uncertain significance. Review status: criteria provided, multiple submitters, no conflicts (2 of 4 stars). 2 submissions from 2 submitters: Uncertain significance (2). Last evaluated 2025-02-27.

Submissions (2):

Labcorp Genetics (formerly Invitae), Labcorp
Classification: Uncertain significance. Last evaluated: 2025-02-27. Review status: criteria provided, single submitter. Criteria: Invitae Variant Classification Sherloc (09022015). Collection method: clinical testing. Allele origin: germline.
Comment: This sequence change replaces proline, which is neutral and non-polar, with glutamine, which is neutral and polar, at codon 352 of the COL4A1 protein (p.Pro352Gln). This variant is not present in population databases (gnomAD no frequency). This variant has not been reported in the literature in individuals affected with COL4A1-related conditions. ClinVar contains an entry for this variant (Variation ID: 3365160). Invitae Evidence Modeling of protein sequence and biophysical properties (such as structural, functional, and spatial information, amino acid conservation, physicochemical variation, residue mobility, and thermodynamic stability) indicates that this missense variant is not expected to disrupt COL4A1 protein function with a negative predictive value of 95%. In summary, the available evidence is currently insufficient to determine the role of this variant in disease. Therefore, it has been classified as a Variant of Uncertain Significance.

GeneDx
Classification: Uncertain significance. Last evaluated: 2023-12-02. Review status: criteria provided, single submitter. Criteria: GeneDx Variant Classification Process June 2021. Collection method: clinical testing. Allele origin: germline. Affected: yes.
Comment: Occurs in the triple helical domain at the Y position in the canonical Gly-X-Y repeat; although this variant may have an effect on normal protein folding and function, missense substitution at the Y position is not a common mechanism of disease; Not observed at significant frequency in large population cohorts (gnomAD); In silico analysis supports that this missense variant has a deleterious effect on protein structure/function; Has not been previously published as pathogenic or benign to our knowledge

NM_001845.6(COL4A1):c.1055C>A (p.Pro352Gln)

Gene: COL4A1 (collagen type IV alpha 1 chain; minus strand). Cytogenetic location: 13q34.
Variant type: single nucleotide variant.
Coding change: c.1055C>A on transcript NM_001845.6 (MANE Select); coding-DNA position 1055, C replaced by A.
Protein change: p.Pro352Gln; replaces proline 352 with glutamine.
Molecular consequence: missense variant.
Genome position (GRCh38, 1-based): chr13:110,201,467, G>T on the plus strand (C>A on the coding strand, the complement: COL4A1 is on the minus strand). VCF-style: chr13-110201467-G-T. GRCh37 (hg19) VCF-style: chr13-110853814-G-T.
Other names: c.1055C>A, p.Pro352Gln (NM_001303110.2); short protein forms P352Q.
Identifiers: ClinVar variation 3365160 (VCV003365160.3).